The following is an entry in ClinVar:

ClinVar aggregate classification (germline): Uncertain significance. Review status: criteria provided, multiple submitters, no conflicts (2 of 4 stars). 2 submissions from 2 submitters: Uncertain significance (2). Last evaluated 2025-05-17.

Conditions:
Inborn genetic diseases. Identifiers: MedGen C0950123, MeSH D030342.

Allele frequency attached by ClinVar (database versions not stated): TOPMed 0.00001.
gnomAD v4.1: 8 of 1,614,074 alleles (0.0005%); highest among the groups gnomAD compares: Admixed American, 0.0017%; no homozygotes.

Submissions (2):

Ambry Genetics
Classification: Uncertain significance for Inborn genetic diseases. Last evaluated: 2025-05-17. Review status: criteria provided, single submitter. Criteria: Ambry Variant Classification Scheme 2023. Collection method: clinical testing. Allele origin: germline.
Comment: The p.N706K variant (also known as c.2118C>G), located in coding exon 13 of the CDH2 gene, results from a C to G substitution at nucleotide position 2118. The asparagine at codon 706 is replaced by lysine, an amino acid with similar properties. This amino acid position is conserved. In addition, this alteration is predicted to be tolerated by in silico analysis. Since supporting evidence is limited at this time, the clinical significance of this alteration remains unclear.

Labcorp Genetics (formerly Invitae), Labcorp
Classification: Uncertain significance. Last evaluated: 2024-11-15. Review status: criteria provided, single submitter. Criteria: Invitae Variant Classification Sherloc (09022015). Collection method: clinical testing. Allele origin: germline.
Comment: This sequence change replaces asparagine, which is neutral and polar, with lysine, which is basic and polar, at codon 706 of the CDH2 protein (p.Asn706Lys). This variant is present in population databases (no rsID available, gnomAD 0.0009%). This variant has not been reported in the literature in individuals affected with CDH2-related conditions. ClinVar contains an entry for this variant (Variation ID: 1514854). An algorithm developed to predict the effect of missense changes on protein structure and function (PolyPhen-2) suggests that this variant is likely to be tolerated. In summary, the available evidence is currently insufficient to determine the role of this variant in disease. Therefore, it has been classified as a Variant of Uncertain Significance.

NM_001792.5(CDH2):c.2118C>G (p.Asn706Lys)

Gene: CDH2 (cadherin 2; minus strand). Cytogenetic location: 18q12.1.
Variant type: single nucleotide variant.
Coding change: c.2118C>G on transcript NM_001792.5 (MANE Select); coding-DNA position 2118, C replaced by G.
Protein change: p.Asn706Lys; replaces asparagine 706 with lysine.
Molecular consequence: missense variant.
Genome position (GRCh38, 1-based): chr18:27,985,091, G>C on the plus strand (C>G on the coding strand, the complement: CDH2 is on the minus strand). VCF-style: chr18-27985091-G-C. GRCh37 (hg19) VCF-style: chr18-25565055-G-C.
Other names: c.2025C>G, p.Asn675Lys (NM_001308176.2); short protein forms N675K, N706K.
Identifiers: ClinVar variation 1514854 (VCV001514854.11), dbSNP rs775358499, ClinGen allele CA297679404.